The following is an entry in ClinVar:

NM_001220.5(CAMK2B):c.1167C>T (p.Asp389=)

Gene: CAMK2B (calcium/calmodulin dependent protein kinase II beta; minus strand). Cytogenetic location: 7p13.
Variant type: single nucleotide variant.
Coding change: c.1167C>T on transcript NM_001220.5 (MANE Select); coding-DNA position 1167, C replaced by T.
Protein change: p.Asp389=; no amino-acid change (aspartic acid 389 retained).
Molecular consequence: synonymous variant. On other transcripts: intron variant (3).
Genome position (GRCh38, 1-based): chr7:44,232,831, G>A on the plus strand (C>T on the coding strand, the complement: CAMK2B is on the minus strand). VCF-style: chr7-44232831-G-A. GRCh37 (hg19) VCF-style: chr7-44272430-G-A.
Other names: c.1167C>T (NM_001220.4); c.1167C>T, p.Asp389= (NM_001293170.2, NM_172078.3); c.1095C>T, p.Asp365= (NM_172079.3, NM_172082.3); c.1092C>T, p.Asp364= (NM_172080.3); c.946+7876C>T (NM_172084.3); c.988-1777C>T (NM_172083.3); c.1059+1559C>T (NM_172081.3).
Identifiers: ClinVar variation 1660999 (VCV001660999.11), dbSNP rs201188394, ClinGen allele CA4240444.

ClinVar aggregate classification (germline): Benign/Likely benign. Review status: criteria provided, multiple submitters, no conflicts (2 of 4 stars). 3 submissions from 3 submitters: Benign (1); Likely benign (1). 1 of the submissions does not count toward it. Last evaluated 2025-12-13.

Conditions:
CAMK2B-related disorder. Also called: CAMK2B-related condition.

Allele frequency attached by ClinVar (database versions not stated): gnomAD 0.00007; ESP Exome Variant Server 0.00008; gnomAD exomes 0.00010 and 0.00024; TOPMed 0.00010; ExAC 0.00018.
gnomAD v4.1: 157 of 1,613,874 alleles (0.0097%); highest among the groups gnomAD compares: Admixed American, 0.045%; 1 homozygote.

Submissions (3):

Labcorp Genetics (formerly Invitae), Labcorp
Classification: Benign. Last evaluated: 2025-12-13. Review status: criteria provided, single submitter. Criteria: Invitae Variant Classification Sherloc (09022015). Collection method: clinical testing. Allele origin: germline.

Blueprint Genetics
Classification: Likely benign. Last evaluated: 2023-09-27. Review status: criteria provided, single submitter. Criteria: ACMG Guidelines, 2015. Collection method: clinical testing. Allele origin: germline.

PreventionGenetics, part of Exact Sciences
Classification: Likely benign for CAMK2B-related condition. Last evaluated: 2021-07-23. Review status: no assertion criteria provided. Collection method: clinical testing. Allele origin: germline. Not counted in ClinVar's aggregate classification.
Comment: This variant is classified as likely benign based on ACMG/AMP sequence variant interpretation guidelines (Richards et al. 2015 PMID: 25741868, with internal and published modifications).